The following is an entry in ClinVar:

ClinVar aggregate classification (germline): Pathogenic (1 of 4 stars; one submission).

Submission:

Labcorp Genetics (formerly Invitae), Labcorp
Classification: Pathogenic. Last evaluated: 2023-03-19. Review status: criteria provided, single submitter. Criteria: Invitae Variant Classification Sherloc (09022015). Collection method: clinical testing. Allele origin: germline.
Comment: For these reasons, this variant has been classified as Pathogenic. This variant has not been reported in the literature in individuals affected with SLC12A1-related conditions. This variant is not present in population databases (gnomAD no frequency). This sequence change creates a premature translational stop signal (p.Trp988*) in the SLC12A1 gene. It is expected to result in an absent or disrupted protein product. Loss-of-function variants in SLC12A1 are known to be pathogenic (PMID: 8640224, 9585600, 19096086).

Literature cited by the submitters: PubMed 8640224; PubMed 9585600; PubMed 19096086.

NM_000338.3(SLC12A1):c.2964G>A (p.Trp988Ter)

Gene: SLC12A1 (solute carrier family 12 member 1; plus strand). Cytogenetic location: 15q21.1.
Variant type: single nucleotide variant.
Coding change: c.2964G>A on transcript NM_000338.3 (MANE Select); coding-DNA position 2964, G replaced by A.
Protein change: p.Trp988Ter; replaces tryptophan 988 with a stop codon.
Molecular consequence: nonsense.
Genome position (GRCh38, 1-based): chr15:48,299,143, G>A. VCF-style: chr15-48299143-G-A. GRCh37 (hg19) VCF-style: chr15-48591340-G-A.
Other names: c.2964G>A, p.Trp988Ter (NM_001184832.2, NM_001384136.1); short protein forms W988*.
Identifiers: ClinVar variation 2803768 (VCV002803768.3), dbSNP rs2505218935, ClinGen allele CA392320749.